The following is an entry in ClinVar:

NM_007294.4(BRCA1):c.2224A>G (p.Asn742Asp)

Gene: BRCA1 (BRCA1 DNA repair associated; minus strand). Cytogenetic location: 17q21.31.
Variant type: single nucleotide variant.
Coding change: c.2224A>G on transcript NM_007294.4 (MANE Select); coding-DNA position 2224, A replaced by G.
Protein change: p.Asn742Asp; replaces asparagine 742 with aspartic acid.
Molecular consequence: missense variant. On other transcripts: intron variant (137).
Genome position (GRCh38, 1-based): chr17:43,093,307, T>C on the plus strand (A>G on the coding strand, the complement: BRCA1 is on the minus strand). VCF-style: chr17-43093307-T-C. GRCh37 (hg19) VCF-style: chr17-41245324-T-C.
Other names: c.643+1437A>G (NM_001408470.1, NM_001408464.1, NM_001408462.1 and 3 more transcripts); c.664+1437A>G (NM_001408442.1, NM_001408436.1, NM_001408426.1 and 12 more transcripts); c.787+1437A>G (NM_001407980.1, NM_001407982.1, NM_001407970.1 and 17 more transcripts); c.523+1437A>G (NM_001408498.1, NM_001408501.1, NM_001408500.1 and 3 more transcripts); c.646+1437A>G (NM_001408467.1, NM_001408459.1, NM_001408469.1 and 11 more transcripts); c.2083A>G, p.Asn695Asp (NM_001407692.1, NM_001407695.1, NM_001407694.1 and 29 more transcripts); c.2098A>G, p.Asn700Asp (NM_001407691.1, NM_001407690.1, NM_001407649.1 and 11 more transcripts); c.784+1437A>G (NM_001408397.1, NM_001408398.1, NM_001407992.1 and 13 more transcripts); and 41 more; short protein forms N742D, N695D, N615D, N631D, N672D, N694D, N446D, N653D.
Identifiers: ClinVar variation 230731 (VCV000230731.21), dbSNP rs876658733, ClinGen allele CA10580629.

ClinVar aggregate classification (germline): Conflicting classifications of pathogenicity. Review status: criteria provided, conflicting classifications (1 of 4 stars). 5 submissions from 5 submitters: Uncertain significance (2); Likely benign (3). Last evaluated 2026-01-20.

Conditions:
Hereditary cancer-predisposing syndrome. Also called: Neoplastic Syndromes, Hereditary; Tumor predisposition; Hereditary Cancer Syndrome; Hereditary neoplastic syndrome. Identifiers: Orphanet 140162, MedGen C0027672, MeSH D009386, MONDO:0015356.
Hereditary breast ovarian cancer syndrome. Also called: BRCA1- and BRCA2-Associated Hereditary Breast and Ovarian Cancer; Hereditary breast and ovarian cancer syndrome; Hereditary breast and ovarian cancer; Hereditary breast and ovarian cancer syndrome (HBOC); Breast and ovarian cancer; Hereditary breast and/or ovarian cancer syndrome. Identifiers: Orphanet 145, MedGen C0677776, MeSH D061325, MONDO:0003582. Disease mechanism: loss of function.

Allele frequency attached by ClinVar (database versions not stated): gnomAD 0.00001.
gnomAD v4.1: 1 of 1,613,952 alleles (0.000062%); highest among the groups gnomAD compares: African/African-American, 0.0013%; no homozygotes.

Submissions (5):

Labcorp Genetics (formerly Invitae), Labcorp
Classification: Uncertain significance for Hereditary breast ovarian cancer syndrome. Last evaluated: 2026-01-20. Review status: criteria provided, single submitter. Criteria: Invitae Variant Classification Sherloc (09022015). Collection method: clinical testing. Allele origin: germline.
Comment: This sequence change replaces asparagine, which is neutral and polar, with aspartic acid, which is acidic and polar, at codon 742 of the BRCA1 protein (p.Asn742Asp). This variant is not present in population databases (gnomAD no frequency). This variant has not been reported in the literature in individuals affected with BRCA1-related conditions. ClinVar contains an entry for this variant (Variation ID: 230731). Invitae Evidence Modeling of protein sequence and biophysical properties (such as structural, functional, and spatial information, amino acid conservation, physicochemical variation, residue mobility, and thermodynamic stability) indicates that this missense variant is not expected to disrupt BRCA1 protein function with a negative predictive value of 80%. In summary, the available evidence is currently insufficient to determine the role of this variant in disease. Therefore, it has been classified as a Variant of Uncertain Significance.

GeneDx
Classification: Uncertain significance. Last evaluated: 2023-11-06. Review status: criteria provided, single submitter. Criteria: GeneDx Variant Classification Process June 2021. Collection method: clinical testing. Allele origin: germline. Affected: yes.
Comment: Identified in individuals referred for multi-gene panel testing with personal or family history of cancer (PMID: 31853058); Not observed at significant frequency in large population cohorts (gnomAD); In silico analysis supports that this missense variant does not alter protein structure/function; Also known as 2343A>G; This variant is associated with the following publications: (PMID: 29884841, 32377563, 15343273, 31853058)

University of Washington Department of Laboratory Medicine, University of Washington
Classification: Likely benign for Hereditary cancer-predisposing syndrome. Last evaluated: 2023-03-23. Review status: criteria provided, single submitter. Criteria: Dines et al. (Genet Med. 2020). Collection method: curation. Allele origin: germline.
Comment: Missense variant in a coldspot region where missense variants are very unlikely to be pathogenic (PMID:31911673).

BRCA1 coldspot (exon 11 using historical exon numbering). Reclassification based on statistical prior probability

Ambry Genetics
Classification: Likely benign for Hereditary cancer-predisposing syndrome. Last evaluated: 2018-02-23. Review status: criteria provided, single submitter. Criteria: Ambry Variant Classification Scheme 2023. Collection method: clinical testing. Allele origin: germline.

Color Diagnostics, LLC DBA Color Health
Classification: Likely benign for Hereditary cancer-predisposing syndrome. Last evaluated: 2016-12-05. Review status: criteria provided, single submitter. Criteria: ACMG Guidelines, 2015. Collection method: clinical testing. Allele origin: germline.